The following is an entry in ClinVar:

ClinVar aggregate classification (germline): Uncertain significance. Review status: criteria provided, multiple submitters, no conflicts (2 of 4 stars). 2 submissions from 2 submitters: Uncertain significance (2). Last evaluated 2024-02-22.

Conditions:
Marfan syndrome (MFS). Also called: Marfan syndrome type 1; Marfan syndrome, classic; Marfan's syndrome; FBN1-Related Marfan Syndrome; MARFAN SYNDROME, TYPE I. Identifiers: Orphanet 284963, Orphanet 558, MedGen C0024796, MONDO:0007947, OMIM 154700.
Connective tissue disorder. Also called: Connective tissue disease. Identifiers: MedGen C0009782, MONDO:0003900.

Submissions (2):

All of Us Research Program, National Institutes of Health
Classification: Uncertain significance for Marfan syndrome. Last evaluated: 2024-02-22. Review status: criteria provided, single submitter. Criteria: ACMG Guidelines, 2015. Collection method: clinical testing. Allele origin: germline. Inheritance: Autosomal dominant inheritance. Observed: 1 variant allele, 1 heterozygote.
Comment: This missense variant replaces proline with arginine at codon 75 of the FBN1 protein. Computational prediction is inconclusive regarding the impact of this variant on protein structure and function (internally defined REVEL score threshold 0.5 < inconclusive < 0.7, PMID: 27666373). To our knowledge, functional studies have not been reported for this variant. This variant has not been reported in individuals affected with FBN1-related disorders in the literature. This variant has not been identified in the general population by the Genome Aggregation Database (gnomAD). The available evidence is insufficient to determine the role of this variant in disease conclusively. Therefore, this variant is classified as a Variant of Uncertain Significance.

This study involves interpretation of variants in research participants for the purpose of population health screening. Participant phenotype was not available at the time of variant classification. Additional details can be found in publication PMID: 35346344, PMCID: PMC8962531

Center for Human Genetics, Inc
Classification: Uncertain significance for Connective tissue disorder. Last evaluated: 2016-11-01. Review status: criteria provided, single submitter. Criteria: ACMG Guidelines, 2015. Collection method: clinical testing. Allele origin: germline. Affected: yes.

NM_000138.5(FBN1):c.224C>G (p.Pro75Arg)

Gene: FBN1 (fibrillin 1; minus strand). Cytogenetic location: 15q21.1.
Variant type: single nucleotide variant.
Coding change: c.224C>G on transcript NM_000138.5 (MANE Select); coding-DNA position 224, C replaced by G.
Protein change: p.Pro75Arg; replaces proline 75 with arginine.
Molecular consequence: missense variant.
Genome position (GRCh38, 1-based): chr15:48,613,033, G>C on the plus strand (C>G on the coding strand, the complement: FBN1 is on the minus strand). VCF-style: chr15-48613033-G-C. GRCh37 (hg19) VCF-style: chr15-48905230-G-C.
Other names: short protein forms P75R.
Identifiers: ClinVar variation 547297 (VCV000547297.2), dbSNP rs1555405654, ClinGen allele CA392448272.